The following is an entry in ClinVar:

ClinVar aggregate classification (germline): Uncertain significance. Review status: criteria provided, multiple submitters, no conflicts (2 of 4 stars). 3 submissions from 3 submitters: Uncertain significance (3). Last evaluated 2023-09-06.

Conditions:
Cardiovascular phenotype. Identifiers: MedGen CN230736.
Dilated cardiomyopathy 1DD (CMD1DD). Identifiers: Orphanet 154, MedGen C2750995, MONDO:0013168, OMIM 613172.

Allele frequency attached by ClinVar (database versions not stated): TOPMed below 0.00001.

Submissions (3):

Ambry Genetics
Classification: Uncertain significance for Cardiovascular phenotype. Last evaluated: 2023-09-06. Review status: criteria provided, single submitter. Criteria: Ambry Variant Classification Scheme 2023. Collection method: clinical testing. Allele origin: germline.
Comment: The p.E917Q variant (also known as c.2749G>C), located in coding exon 11 of the RBM20 gene, results from a G to C substitution at nucleotide position 2749. The glutamic acid at codon 917 is replaced by glutamine, an amino acid with highly similar properties. This amino acid position is highly conserved in available vertebrate species. In addition, the in silico prediction for this alteration is inconclusive. Since supporting evidence is limited at this time, the clinical significance of this alteration remains unclear.

Fulgent Genetics
Classification: Uncertain significance for Dilated cardiomyopathy 1DD. Last evaluated: 2021-12-03. Review status: criteria provided, single submitter. Criteria: ACMG Guidelines, 2015. Collection method: clinical testing. Allele origin: unknown.

Labcorp Genetics (formerly Invitae), Labcorp
Classification: Uncertain significance for Dilated cardiomyopathy 1DD. Last evaluated: 2020-08-14. Review status: criteria provided, single submitter. Criteria: Invitae Variant Classification Sherloc (09022015). Collection method: clinical testing. Allele origin: germline.
Comment: This sequence change replaces glutamic acid with glutamine at codon 917 of the RBM20 protein (p.Glu917Gln). The glutamic acid residue is highly conserved and there is a small physicochemical difference between glutamic acid and glutamine. This variant is not present in population databases (ExAC no frequency). This variant has not been reported in the literature in individuals with RBM20-related conditions. Advanced modeling of protein sequence and biophysical properties (such as structural, functional, and spatial information, amino acid conservation, physicochemical variation, residue mobility, and thermodynamic stability) performed at Invitae indicates that this missense variant is not expected to disrupt RBM20 protein function. In summary, the available evidence is currently insufficient to determine the role of this variant in disease. Therefore, it has been classified as a Variant of Uncertain Significance.

NM_001134363.3(RBM20):c.2749G>C (p.Glu917Gln)

Gene: RBM20 (RNA binding motif protein 20; plus strand). Cytogenetic location: 10q25.2.
Variant type: single nucleotide variant.
Coding change: c.2749G>C on transcript NM_001134363.3 (MANE Select); coding-DNA position 2749, G replaced by C.
Protein change: p.Glu917Gln; replaces glutamic acid 917 with glutamine.
Molecular consequence: missense variant.
Genome position (GRCh38, 1-based): chr10:110,821,368, G>C. VCF-style: chr10-110821368-G-C. GRCh37 (hg19) VCF-style: chr10-112581126-G-C.
Other names: c.2749G>C (NM_001134363.1); short protein forms E917Q.
Identifiers: ClinVar variation 1057506 (VCV001057506.11), dbSNP rs1844907124, ClinGen allele CA378377456.